The following is an entry in ClinVar:

ClinVar aggregate classification (germline): Pathogenic. Review status: criteria provided, multiple submitters, no conflicts (2 of 4 stars). 9 submissions from 9 submitters: Pathogenic (8). 1 of the submissions does not count toward it. Last evaluated 2025-11-13.

Conditions:
Propionic acidemia (PROP). Also called: GLYCINEMIA, KETOTIC; HYPERGLYCINEMIA WITH KETOACIDOSIS AND LEUKOPENIA; KETOTIC HYPERGLYCINEMIA. Identifiers: Orphanet 35, MedGen C0268579, MONDO:0011628, OMIM 606054, HP:0003571.

Allele frequency attached by ClinVar (database versions not stated): gnomAD exomes below 0.00001; ExAC 0.00001; TOPMed 0.00001.
gnomAD v4.1: 12 of 1,614,000 alleles (0.00074%); highest among the groups gnomAD compares: Middle Eastern, 0.016%; no homozygotes.

Submissions (9):

Natera, Inc.
Classification: Pathogenic for Propionic acidemia. Last evaluated: 2025-11-13. Review status: criteria provided, single submitter. Criteria: Natera Variant Classification Schema (03/2026). Collection method: clinical testing. Allele origin: germline.
Comment: The c.1540C>T variant in PCCB is a nonsense variant predicted to introduce a stop codon at amino acid 514. This variant is expected to result in nonsense mediated decay, truncation, or a dysfunctional protein product. This variant is rare in the general population with a frequency below the threshold expected for the associated phenotype(s). This variant has been observed in one or more individuals affected with the associated recessive disease, as either homozygous or compound heterozygous with a second variant (PMID: 7227689, 24059531). Given the available evidence, this variant is classified as Pathogenic.

Labcorp Genetics (formerly Invitae), Labcorp
Classification: Pathogenic for Propionic acidemia. Last evaluated: 2025-07-23. Review status: criteria provided, single submitter. Criteria: Invitae Variant Classification Sherloc (09022015). Collection method: clinical testing. Allele origin: germline.
Comment: This sequence change creates a premature translational stop signal (p.Arg514*) in the PCCB gene. While this is not anticipated to result in nonsense mediated decay, it is expected to disrupt the last 26 amino acid(s) of the PCCB protein. The frequency data for this variant in the population databases is considered unreliable, as metrics indicate poor data quality at this position in the gnomAD database. This premature translational stop signal has been observed in individuals with proprionic acidemia (PMID: 11136555, 24059531, 27227689). ClinVar contains an entry for this variant (Variation ID: 217893). Algorithms developed to predict the effect of variants on gene product structure and function are not available or were not evaluated for this variant. Experimental studies have shown that this premature translational stop signal affects PCCB function (PMID: 11136555). For these reasons, this variant has been classified as Pathogenic.

Baylor Genetics
Classification: Pathogenic for Propionic acidemia. Last evaluated: 2024-02-28. Review status: criteria provided, single submitter. Criteria: ACMG Guidelines, 2015. Collection method: clinical testing. Allele origin: unknown.

Laboratory of Medical Genetics, National & Kapodistrian University of Athens
Classification: Pathogenic for Propionic acidemia. Last evaluated: 2024-02-01. Review status: criteria provided, single submitter. Criteria: ACMG Guidelines, 2015. Collection method: curation. Allele origin: germline. Affected: no.

GeneDx
Classification: Pathogenic. Last evaluated: 2024-01-29. Review status: criteria provided, single submitter. Criteria: GeneDx Variant Classification Process June 2021. Collection method: clinical testing. Allele origin: germline. Affected: yes.
Comment: Published functional studies demonstrate a damaging effect (PMID: 11136555, 12007220); Not observed at significant frequency in large population cohorts (gnomAD); Nonsense variant predicted to result in protein truncation, as the last 26 amino acids are lost, and other loss-of-function variants have been reported downstream in HGMD; This variant is associated with the following publications: (PMID: 12007220, 31916709, 11136555, 22334403, 26589311, 35331292)

Fulgent Genetics
Classification: Pathogenic for Propionic acidemia. Last evaluated: 2022-05-08. Review status: criteria provided, single submitter. Criteria: ACMG Guidelines, 2015. Collection method: clinical testing. Allele origin: unknown.

Women's Health and Genetics/Laboratory Corporation of America, LabCorp
Classification: Pathogenic for Propionic acidemia. Last evaluated: 2021-05-13. Review status: criteria provided, single submitter. Criteria: LabCorp Variant Classification Summary - May 2015. Collection method: clinical testing. Allele origin: germline.
Comment: Variant summary: PCCB c.1540C>T (p.Arg514X) results in a premature termination codon, predicted to cause a truncation of the encoded protein or absence of the protein due to nonsense mediated decay, which are commonly known mechanisms for disease. The variant allele was found at a frequency of 4e-06 in 251236 control chromosomes. c.1540C>T has been reported in the literature in individuals affected with Propionic Acidemia (e.g. Sanchez-Alcudia_2012, Al-Jasmi_2016). These data indicate that the variant may be associated with disease. At least one publication reports that full-length protein is not detectable for PCCB with p.Arg514* (Sanchez-Alcudia_2012). Two clinical diagnostic laboratories have submitted clinical-significance assessments for this variant to ClinVar after 2014 without evidence for independent evaluation. Both laboratories classified the variant as pathogenic/likely pathogenic. Based on the evidence outlined above, the variant was classified as pathogenic.

Institute of Medical Genetics and Genomics, Sir Ganga Ram Hospital
Classification: Pathogenic for Propionic Acidemia. Review status: criteria provided, single submitter. Criteria: Gupta et al. (Genet Test Mol Biomarkers 2016). Collection method: research. Allele origin: germline. Affected: yes. Observed: 1 variant allele. Study: ORGANIC ACIDURIAS.
Comment: Nonsense mutation

Counsyl
Classification: Likely pathogenic for Propionic acidemia. Last evaluated: 2018-02-07. Review status: no assertion criteria provided. Collection method: clinical testing. Allele origin: unknown. Not counted in ClinVar's aggregate classification.

Literature cited by the submitters: PubMed 7227689 (cited by Natera, Inc.); PubMed 24059531 (cited by 3 submitters); PubMed 11136555 (cited by Labcorp Genetics (formerly Invitae), Labcorp and Counsyl); PubMed 27227689 (cited by Labcorp Genetics (formerly Invitae), Labcorp and Counsyl); PubMed 26589311 (cited by Women's Health and Genetics/Laboratory Corporation of America, LabCorp); PubMed 22334403 (cited by Women's Health and Genetics/Laboratory Corporation of America, LabCorp and Counsyl).

NM_000532.5(PCCB):c.1540C>T (p.Arg514Ter)

Gene: PCCB (propionyl-CoA carboxylase subunit beta; plus strand). Cytogenetic location: 3q22.3.
Variant type: single nucleotide variant.
Coding change: c.1540C>T on transcript NM_000532.5 (MANE Select); coding-DNA position 1540, C replaced by T.
Protein change: p.Arg514Ter; replaces arginine 514 with a stop codon.
Molecular consequence: nonsense.
Genome position (GRCh38, 1-based): chr3:136,329,946, C>T. VCF-style: chr3-136329946-C-T. GRCh37 (hg19) VCF-style: chr3-136048788-C-T.
Other names: c.1600C>T, p.Arg534Ter (NM_001178014.2); short protein forms R514*, R534*.
Identifiers: ClinVar variation 217893 (VCV000217893.23), dbSNP rs749908889, ClinGen allele CA2632235.